The following is an entry in ClinVar:

ClinVar aggregate classification (germline): Uncertain significance. Review status: criteria provided, multiple submitters, no conflicts (2 of 4 stars). 5 submissions from 4 submitters: Uncertain significance (5). Last evaluated 2024-10-03.

Conditions:
Retinitis pigmentosa (RP). Identifiers: Orphanet 791, MedGen C0035334, MeSH D012174, MONDO:0019200, OMIM 268000. Inheritance: Autosomal dominant, autosomal recessive and X linked inheritance.
Leber congenital amaurosis 4 (LCA4). Identifiers: MedGen C1858386, MONDO:0011458, OMIM 604393.

Allele frequency attached by ClinVar (database versions not stated): gnomAD exomes 0.00002 and 0.00003; gnomAD 0.00006 and 0.00007; TOPMed 0.00007; 1000 Genomes Project 0.00060; 1000 Genomes Project 30x 0.00078.
gnomAD v4.1: 38 of 1,613,986 alleles (0.0024%); highest among the groups gnomAD compares: Middle Eastern, 0.033%; no homozygotes.

Submissions (5):

Blueprint Genetics
Classification: Uncertain significance. Last evaluated: 2024-10-03. Review status: criteria provided, single submitter. Criteria: ACMG Guidelines, 2015. Collection method: clinical testing. Allele origin: germline.

Labcorp Genetics (formerly Invitae), Labcorp
Classification: Uncertain significance for Leber congenital amaurosis 4. Last evaluated: 2022-08-09. Review status: criteria provided, single submitter. Criteria: Invitae Variant Classification Sherloc (09022015). Collection method: clinical testing. Allele origin: germline.
Comment: This sequence change replaces arginine, which is basic and polar, with glutamine, which is neutral and polar, at codon 102 of the AIPL1 protein (p.Arg102Gln). This variant is present in population databases (rs181630986, gnomAD 0.02%). This variant has not been reported in the literature in individuals affected with AIPL1-related conditions. ClinVar contains an entry for this variant (Variation ID: 196464). Algorithms developed to predict the effect of missense changes on protein structure and function are either unavailable or do not agree on the potential impact of this missense change (SIFT: "Deleterious"; PolyPhen-2: "Possibly Damaging"; Align-GVGD: "Class C0"). Algorithms developed to predict the effect of sequence changes on RNA splicing suggest that this variant may create or strengthen a splice site. In summary, the available evidence is currently insufficient to determine the role of this variant in disease. Therefore, it has been classified as a Variant of Uncertain Significance.

Illumina Laboratory Services, Illumina
Classification: Uncertain significance for Retinitis pigmentosa. Last evaluated: 2018-01-13. Review status: criteria provided, single submitter. Criteria: ICSL Variant Classification Criteria 13 December 2019. Collection method: clinical testing. Allele origin: germline.

Illumina Laboratory Services, Illumina
Classification: Uncertain significance for Leber congenital amaurosis 4. Last evaluated: 2018-01-13. Review status: criteria provided, single submitter. Criteria: ICSL Variant Classification Criteria 13 December 2019. Collection method: clinical testing. Allele origin: germline.

Eurofins Ntd Llc (ga)
Classification: Uncertain significance. Last evaluated: 2015-03-05. Review status: criteria provided, single submitter. Criteria: EGL Classification Definitions 2015. Collection method: clinical testing. Allele origin: germline. Observed: 1 variant allele, 1 heterozygote.

NM_014336.5(AIPL1):c.305G>A (p.Arg102Gln)

Gene: AIPL1 (AIP like 1 HSP90 co-chaperone; minus strand). Cytogenetic location: 17p13.2.
Variant type: single nucleotide variant.
Coding change: c.305G>A on transcript NM_014336.5 (MANE Select); coding-DNA position 305, G replaced by A.
Protein change: p.Arg102Gln; replaces arginine 102 with glutamine.
Molecular consequence: missense variant. On other transcripts: intron variant (1).
Genome position (GRCh38, 1-based): chr17:6,428,478, C>T on the plus strand (G>A on the coding strand, the complement: AIPL1 is on the minus strand). VCF-style: chr17-6428478-C-T. GRCh37 (hg19) VCF-style: chr17-6331798-C-T.
Other names: c.125G>A, p.Arg42Gln (NM_001033055.3); c.269G>A, p.Arg90Gln (NM_001285399.3); c.239G>A, p.Arg80Gln (NM_001285400.3); c.305G>A, p.Arg102Gln (NM_001285401.3, NM_001285403.4); c.188G>A, p.Arg63Gln (NM_001285402.2); c.277-1421G>A (NM_001033054.3); short protein forms R102Q, R42Q, R80Q, R63Q, R90Q.
Identifiers: ClinVar variation 196464 (VCV000196464.15), dbSNP rs181630986, ClinGen allele CA243422.
Genomic context (GRCh38, chr17:6,428,478, plus strand): 5'-CCGCACGTGTGCACGTGCCACTCTGTGGGGTCCTTGCCCTGGGCCATCTGCCTCAGGCTC[C>T]GGGATAGGATGGGGTAGACCCCCGTGTGCTGTGGGGATAAACGGATGGATGGCATCCAGG-3'
Protein context (NP_055151.3, residues 92-112): IHTGVYPILS[Arg102Gln]SLRQMAQGKD